The following is an entry in ClinVar:

ClinVar aggregate classification (germline): Uncertain significance (1 of 4 stars; one submission).

gnomAD v4.1: 2 of 1,613,410 alleles (0.00012%); highest among the groups gnomAD compares: South Asian, 0.0022%; no homozygotes.

Submission:

GeneDx
Classification: Uncertain significance. Last evaluated: 2023-05-25. Review status: criteria provided, single submitter. Criteria: GeneDx Variant Classification Process June 2021. Collection method: clinical testing. Allele origin: germline. Affected: yes.
Comment: Not observed at significant frequency in large population cohorts (gnomAD); In silico analysis is inconclusive as to whether the variant alters gene splicing. In the absence of RNA/functional studies, the actual effect of this sequence change is unknown.; Has not been previously published as pathogenic or benign to our knowledge

NM_130837.3(OPA1):c.2661+4A>C

Gene: OPA1 (OPA1 mitochondrial dynamin like GTPase; plus strand). Cytogenetic location: 3q29.
Variant type: single nucleotide variant.
Coding change: c.2661+4A>C on transcript NM_130837.3 (MANE Select); 4 bases into the intron after coding-DNA position 2661, A replaced by C.
Molecular consequence: intron variant.
Genome position (GRCh38, 1-based): chr3:193,662,966, A>C. VCF-style: chr3-193662966-A-C. GRCh37 (hg19) VCF-style: chr3-193380755-A-C.
Other names: c.2124+4A>C (NM_001354664.2); c.2127+4A>C (NM_001354663.2); c.2550+4A>C (NM_130834.3); c.2607+4A>C (NM_130836.3); c.2496+4A>C (NM_015560.3); c.2553+4A>C (NM_130835.3); c.2442+4A>C (NM_130832.3); c.2499+4A>C (NM_130833.3); and 1 more.
Identifiers: ClinVar variation 2503268 (VCV002503268.1), dbSNP rs2109232238, ClinGen allele CA2580616031.